The following is an entry in ClinVar:

NC_000017.11:g.(?_61715941)_(61716073_?)del

Gene: BRIP1 (BRCA1 interacting DNA helicase 1; minus strand). Cytogenetic location: 17q23.2.
Variant type: Deletion.
Identifiers: ClinVar variation 832825 (VCV000832825.3).

ClinVar aggregate classification (germline): Pathogenic (1 of 4 stars; one submission).

Conditions:
Familial cancer of breast. Also called: BREAST CANCER, FAMILIAL; hereditary breast carcinoma; Hereditary breast cancer. Identifiers: Orphanet 227535, MedGen C0346153, MONDO:0016419, OMIM 114480. Disease mechanism: loss of function.
Fanconi anemia complementation group J. Also called: BRIP1-Related Fanconi Anemia. Identifiers: Orphanet 84, MedGen C1836860, MONDO:0012187, OMIM 609054.

Submission:

Labcorp Genetics (formerly Invitae), Labcorp
Classification: Pathogenic for Familial cancer of breast; Fanconi anemia complementation group J. Last evaluated: 2022-09-20. Review status: criteria provided, single submitter. Criteria: Invitae Variant Classification Sherloc (09022015). Collection method: clinical testing. Allele origin: germline.
Comment: This variant is a gross deletion of the genomic region encompassing exon(s) 17 of the BRIP1 gene. This deletion is out-of-frame, and is expected to create a premature termination codon and result in an absent or disrupted protein product. Loss-of-function variants in BRIP1 are known to be pathogenic (PMID: 16116423, 17033622, 21964575). This variant has not been reported in the literature in individuals affected with BRIP1-related conditions. For these reasons, this variant has been classified as Pathogenic.

Literature cited by the submitters: PubMed 16116423; PubMed 17033622; PubMed 21964575.